The following is an entry in ClinVar:

ClinVar aggregate classification (germline): Uncertain significance (1 of 4 stars; one submission).

Conditions:
Nephronophthisis 14 (NPHP14). Identifiers: Orphanet 2318, MedGen C3539071, MONDO:0013916, OMIM 614844.

Allele frequency attached by ClinVar (database versions not stated): TOPMed below 0.00001.

Submission:

Labcorp Genetics (formerly Invitae), Labcorp
Classification: Uncertain significance for Nephronophthisis 14. Last evaluated: 2020-02-07. Review status: criteria provided, single submitter. Criteria: Invitae Variant Classification Sherloc (09022015). Collection method: clinical testing. Allele origin: germline.
Comment: This sequence change replaces lysine with methionine at codon 598 of the ZNF423 protein (p.Lys598Met). The lysine residue is moderately conserved and there is a moderate physicochemical difference between lysine and methionine. This variant is not present in population databases (ExAC no frequency). This variant has not been reported in the literature in individuals with ZNF423-related conditions. Algorithms developed to predict the effect of missense changes on protein structure and function are either unavailable or do not agree on the potential impact of this missense change (SIFT: "Deleterious"; PolyPhen-2: "Probably Damaging"; Align-GVGD: "Class C0"). In summary, the available evidence is currently insufficient to determine the role of this variant in disease. Therefore, it has been classified as a Variant of Uncertain Significance.

NM_001379286.1(ZNF423):c.1817A>T (p.Lys606Met)

Gene: ZNF423 (zinc finger protein 423; minus strand). Cytogenetic location: 16q12.1.
Variant type: single nucleotide variant.
Coding change: c.1817A>T on transcript NM_001379286.1 (MANE Select); coding-DNA position 1817, A replaced by T.
Protein change: p.Lys606Met; replaces lysine 606 with methionine.
Molecular consequence: missense variant.
Genome position (GRCh38, 1-based): chr16:49,637,359, T>A on the plus strand (A>T on the coding strand, the complement: ZNF423 is on the minus strand). VCF-style: chr16-49637359-T-A. GRCh37 (hg19) VCF-style: chr16-49671270-T-A.
Other names: c.1613A>T, p.Lys538Met (NM_001271620.2); c.1442A>T, p.Lys481Met (NM_001330533.2); c.1793A>T, p.Lys598Met (NM_015069.5); short protein forms K481M, K538M, K598M, K606M.
Identifiers: ClinVar variation 1013786 (VCV001013786.9), dbSNP rs1397368982, ClinGen allele CA395846241.